The following is an entry in ClinVar:

ClinVar aggregate classification (germline): Conflicting classifications of pathogenicity. Review status: criteria provided, conflicting classifications (1 of 4 stars). 2 submissions from 2 submitters: Likely pathogenic (1); Uncertain significance (1). Last evaluated 2023-04-24.

Conditions:
Intellectual developmental disorder, autosomal dominant 53. Also called: MENTAL RETARDATION, AUTOSOMAL DOMINANT 53; Intellectual disability, autosomal dominant 53. Identifiers: MedGen C4540481, MONDO:0030919, OMIM 617798.

Allele frequency attached by ClinVar (database versions not stated): ExAC 0.00001.

Submissions (2):

GeneDx
Classification: Uncertain significance. Last evaluated: 2023-04-24. Review status: criteria provided, single submitter. Criteria: GeneDx Variant Classification Process June 2021. Collection method: clinical testing. Allele origin: germline. Affected: yes.
Comment: Nonsense variant predicted to result in protein truncation or nonsense mediated decay in a gene or region of a gene for which loss of function is not a well-established mechanism of disease; Has not been previously published as pathogenic or benign to our knowledge

MGZ Medical Genetics Center
Classification: Likely pathogenic for Intellectual developmental disorder, autosomal dominant 53. Last evaluated: 2022-03-08. Review status: criteria provided, single submitter. Criteria: ACMG Guidelines, 2015. Collection method: clinical testing. Allele origin: germline. Affected: yes. Observed: 1 variant allele.
Comment: ACMG criteria applied: PVS1, PM2_SUP

NM_015981.4(CAMK2A):c.82C>T (p.Arg28Ter)

Gene: CAMK2A (calcium/calmodulin dependent protein kinase II alpha; minus strand). Cytogenetic location: 5q32.
Variant type: single nucleotide variant.
Coding change: c.82C>T on transcript NM_015981.4 (MANE Select); coding-DNA position 82, C replaced by T.
Protein change: p.Arg28Ter; replaces arginine 28 with a stop codon.
Molecular consequence: nonsense.
Genome position (GRCh38, 1-based): chr5:150,273,140, G>A on the plus strand (C>T on the coding strand, the complement: CAMK2A is on the minus strand). VCF-style: chr5-150273140-G-A. GRCh37 (hg19) VCF-style: chr5-149652703-G-A.
Other names: c.82C>T (NM_015981.3); c.82C>T, p.Arg28Ter (NM_001363989.1, NM_001363990.1, NM_001369025.2 and 1 more transcripts); short protein forms R28*.
Identifiers: ClinVar variation 1709169 (VCV001709169.3), dbSNP rs751885208, ClinGen allele CA3509969.